The following is an entry in ClinVar:

ClinVar aggregate classification (germline): Uncertain significance (1 of 4 stars; one submission).

Allele frequency attached by ClinVar (database versions not stated): gnomAD exomes below 0.00001.
gnomAD v4.1: 1 of 1,614,118 alleles (0.000062%); highest among the groups gnomAD compares: Middle Eastern, 0.016%; no homozygotes.

Submission:

Labcorp Genetics (formerly Invitae), Labcorp
Classification: Uncertain significance. Last evaluated: 2022-02-10. Review status: criteria provided, single submitter. Criteria: Invitae Variant Classification Sherloc (09022015). Collection method: clinical testing. Allele origin: germline.
Comment: In summary, the available evidence is currently insufficient to determine the role of this variant in disease. Therefore, it has been classified as a Variant of Uncertain Significance. Algorithms developed to predict the effect of missense changes on protein structure and function are either unavailable or do not agree on the potential impact of this missense change (SIFT: "Deleterious"; PolyPhen-2: "Benign"; Align-GVGD: "Class C0"). This variant has not been reported in the literature in individuals affected with MYO5B-related conditions. This variant is not present in population databases (gnomAD no frequency). This sequence change replaces methionine, which is neutral and non-polar, with isoleucine, which is neutral and non-polar, at codon 372 of the MYO5B protein (p.Met372Ile).

NM_001080467.3(MYO5B):c.1116G>A (p.Met372Ile)

Gene: MYO5B (myosin VB; minus strand). Cytogenetic location: 18q21.1.
Variant type: single nucleotide variant.
Coding change: c.1116G>A on transcript NM_001080467.3 (MANE Select); coding-DNA position 1116, G replaced by A.
Protein change: p.Met372Ile; replaces methionine 372 with isoleucine.
Molecular consequence: missense variant.
Genome position (GRCh38, 1-based): chr18:49,974,556, C>T on the plus strand (G>A on the coding strand, the complement: MYO5B is on the minus strand). VCF-style: chr18-49974556-C-T. GRCh37 (hg19) VCF-style: chr18-47500926-C-T.
Other names: short protein forms M372I.
Identifiers: ClinVar variation 1353905 (VCV001353905.8), dbSNP rs2144281939, ClinGen allele CA402433260.